The following is an entry in ClinVar:

ClinVar aggregate classification (germline): Uncertain significance (1 of 4 stars; one submission).

Conditions:
Early-infantile DEE. Also called: Early infantile epileptic encephalopathy with suppression bursts; Early infantile epileptic encephalopathy; Ohtahara syndrome. Identifiers: Orphanet 1934, MedGen C0393706, MONDO:0800491.

Submission:

Labcorp Genetics (formerly Invitae), Labcorp
Classification: Uncertain significance for Early-infantile DEE. Last evaluated: 2024-11-18. Review status: criteria provided, single submitter. Criteria: Invitae Variant Classification Sherloc (09022015). Collection method: clinical testing. Allele origin: germline.
Comment: This sequence change replaces isoleucine, which is neutral and non-polar, with phenylalanine, which is neutral and non-polar, at codon 921 of the KCNH5 protein (p.Ile921Phe). This variant is not present in population databases (gnomAD no frequency). This variant has not been reported in the literature in individuals affected with KCNH5-related conditions. ClinVar contains an entry for this variant (Variation ID: 1719792). Invitae Evidence Modeling of protein sequence and biophysical properties (such as structural, functional, and spatial information, amino acid conservation, physicochemical variation, residue mobility, and thermodynamic stability) indicates that this missense variant is not expected to disrupt KCNH5 protein function with a negative predictive value of 95%. In summary, the available evidence is currently insufficient to determine the role of this variant in disease. Therefore, it has been classified as a Variant of Uncertain Significance.

NM_139318.5(KCNH5):c.2761A>T (p.Ile921Phe)

Gene: KCNH5 (potassium voltage-gated channel subfamily H member 5; minus strand). Cytogenetic location: 14q23.2.
Variant type: single nucleotide variant.
Coding change: c.2761A>T on transcript NM_139318.5 (MANE Select); coding-DNA position 2761, A replaced by T.
Protein change: p.Ile921Phe; replaces isoleucine 921 with phenylalanine.
Molecular consequence: missense variant. On other transcripts: 3 prime UTR variant (1).
Genome position (GRCh38, 1-based): chr14:62,707,714, T>A on the plus strand (A>T on the coding strand, the complement: KCNH5 is on the minus strand). VCF-style: chr14-62707714-T-A. GRCh37 (hg19) VCF-style: chr14-63174432-T-A.
Other names: c.*728A>T (NM_172375.3); short protein forms I921F.
Identifiers: ClinVar variation 1719792 (VCV001719792.5), dbSNP rs2502652701, ClinGen allele CA390099884.